The following is an entry in ClinVar:

NM_000660.7(TGFB1):c.832C>T (p.Arg278Ter)

Gene: TGFB1 (transforming growth factor beta 1; minus strand). Cytogenetic location: 19q13.2.
Variant type: single nucleotide variant.
Coding change: c.832C>T on transcript NM_000660.7 (MANE Select); coding-DNA position 832, C replaced by T.
Protein change: p.Arg278Ter; replaces arginine 278 with a stop codon.
Molecular consequence: nonsense.
Genome position (GRCh38, 1-based): chr19:41,341,911, G>A on the plus strand (C>T on the coding strand, the complement: TGFB1 is on the minus strand). VCF-style: chr19-41341911-G-A. GRCh37 (hg19) VCF-style: chr19-41847816-G-A.
Other names: short protein forms R278*.
Identifiers: ClinVar variation 3677179 (VCV003677179.2).
Genomic context (GRCh38, chr19:41,341,911, plus strand): 5'-TGGAAGGCCTCCATCCAGGCTACAAGGCTCACCTGAAGCAATAGTTGGTGTCCAGGGCTC[G>A]GCGGTGCCGGGAGCTTTGCAGATGCTGGGCCCTCTCCAGCGGGGTGGCCATGAGAAGCAG-3'

ClinVar aggregate classification (germline): Uncertain significance (1 of 4 stars; one submission).

gnomAD v4.1: 1 of 1,613,912 alleles (0.000062%); no homozygotes.

Submission:

Labcorp Genetics (formerly Invitae), Labcorp
Classification: Uncertain significance. Last evaluated: 2024-07-08. Review status: criteria provided, single submitter. Criteria: Invitae Variant Classification Sherloc (09022015). Collection method: clinical testing. Allele origin: germline.
Comment: This sequence change creates a premature translational stop signal (p.Arg278*) in the TGFB1 gene. It is expected to result in an absent or disrupted protein product. However, the current clinical and genetic evidence is not sufficient to establish whether loss-of-function variants in TGFB1 cause disease. This variant is not present in population databases (gnomAD no frequency). This premature translational stop signal has been observed in individual(s) with lupus and hypogammaglobulinaemia (PMID: 33046446). In summary, the available evidence is currently insufficient to determine the role of this variant in disease. Therefore, it has been classified as a Variant of Uncertain Significance.

Literature cited by the submitters: PubMed 33046446.